The following is an entry in ClinVar:

NM_001267550.2(TTN):c.88354T>C (p.Tyr29452His)

Genes: TTN (titin; minus strand), TTN-AS1 (TTN antisense RNA 1; plus strand). Cytogenetic location: 2q31.2.
Variant type: single nucleotide variant.
Coding change: c.88354T>C on transcript NM_001267550.2 (MANE Select); coding-DNA position 88354, T replaced by C.
Protein change: p.Tyr29452His; replaces tyrosine 29452 with histidine.
Molecular consequence: missense variant.
Genome position (GRCh38, 1-based): chr2:178,555,105, A>G on the plus strand (T>C on the coding strand, the complement: TTN is on the minus strand). VCF-style: chr2-178555105-A-G. GRCh37 (hg19) VCF-style: chr2-179419832-A-G.
Other names: c.83431T>C, p.Tyr27811His (NM_001256850.1); c.61159T>C, p.Tyr20387His (NM_003319.4); c.80650T>C, p.Tyr26884His (NM_133378.4); c.61534T>C, p.Tyr20512His (NM_133432.3); c.61735T>C, p.Tyr20579His (NM_133437.4); short protein forms Y20387H, Y26884H, Y29452H, Y20512H, Y20579H, Y27811H.
Identifiers: ClinVar variation 4985752 (VCV004985752.1), dbSNP rs763288364.

ClinVar aggregate classification (germline): Uncertain significance (1 of 4 stars; one submission).

Conditions:
TTN-related disorder. Also called: TTN-related disorders; TTN-related condition; TTN-related disease.

Allele frequency attached by ClinVar (database versions not stated): ExAC 0.00001; gnomAD exomes 0.00002.
gnomAD v4.1: 9 of 1,613,810 alleles (0.00056%); highest among the groups gnomAD compares: East Asian, 0.02%; no homozygotes.

Submission:

PreventionGenetics, part of Exact Sciences
Classification: Uncertain significance for TTN-related condition. Last evaluated: 2026-09-10. Review status: criteria provided, single submitter. Criteria: ACMG Guidelines, 2015. Collection method: clinical testing. Allele origin: germline.
Comment: The TTN c.88354T>C variant is predicted to result in the amino acid substitution p.Tyr29452His. To our knowledge, this variant has not been reported in the literature. This variant is reported in 0.022% of alleles in individuals of East Asian descent in gnomAD. At this time, the clinical significance of this variant is uncertain due to the absence of conclusive functional and genetic evidence.